The following is an entry in ClinVar:

ClinVar aggregate classification (germline): Uncertain significance (1 of 4 stars; one submission).

Submission:

GeneDx
Classification: Uncertain significance. Last evaluated: 2025-11-02. Review status: criteria provided, single submitter. Criteria: GeneDx Variant Classification Process June 2021. Collection method: clinical testing. Allele origin: germline.
Comment: Not observed at significant frequency in large population cohorts (gnomAD); In silico analysis supports that this missense variant has a deleterious effect on protein structure/function; Has not been previously published as pathogenic or benign to our knowledge

NM_175914.5(HNF4A):c.725T>G (p.Val242Gly)

Gene: HNF4A (hepatocyte nuclear factor 4 alpha; plus strand). Cytogenetic location: 20q13.12.
Variant type: single nucleotide variant.
Coding change: c.725T>G on transcript NM_175914.5 (MANE Select); coding-DNA position 725, T replaced by G.
Protein change: p.Val242Gly; replaces valine 242 with glycine.
Molecular consequence: missense variant.
Genome position (GRCh38, 1-based): chr20:44,419,775, T>G. VCF-style: chr20-44419775-T-G. GRCh37 (hg19) VCF-style: chr20-43048415-T-G.
Other names: c.791T>G, p.Val264Gly (NM_000457.6, NM_178849.3, NM_178850.3); c.725T>G, p.Val242Gly (NM_001030003.3, NM_001030004.3); c.770T>G, p.Val257Gly (NM_001258355.2); c.716T>G, p.Val239Gly (NM_001287182.2, NM_001287183.2, NM_001287184.2); short protein forms V239G, V242G, V257G, V264G.
Identifiers: ClinVar variation 2573962 (VCV002573962.2), dbSNP rs2515698677, ClinGen allele CA409107431.
Genomic context (GRCh38, chr20:44,419,775, plus strand): 5'-TTCCAGGCAATGACTACATTGTCCCTCGGCACTGCCCGGAGCTGGCGGAGATGAGCCGGG[T>G]GTCCATACGCATCCTTGACGAGCTGGTGCTGCCCTTCCAGGAGCTGCAGATCGATGACAA-3'
Protein context (NP_787110.2, residues 232-252): HCPELAEMSR[Val242Gly]SIRILDELVL